The following is an entry in ClinVar:

NM_000383.4(AIRE):c.274C>T (p.Arg92Trp)

Gene: AIRE (autoimmune regulator; plus strand). Cytogenetic location: 21q22.3.
Variant type: single nucleotide variant.
Coding change: c.274C>T on transcript NM_000383.4 (MANE Select); coding-DNA position 274, C replaced by T.
Protein change: p.Arg92Trp; replaces arginine 92 with tryptophan.
Molecular consequence: missense variant.
Genome position (GRCh38, 1-based): chr21:44,286,698, C>T. VCF-style: chr21-44286698-C-T. GRCh37 (hg19) VCF-style: chr21-45706581-C-T.
Other names: c.274C>T (LRG_18t1); short protein forms R92W.
Identifiers: ClinVar variation 379319 (VCV000379319.20), dbSNP rs140630532, ClinGen allele CA16608527.

ClinVar aggregate classification (germline): Pathogenic/Likely pathogenic. Review status: criteria provided, multiple submitters, no conflicts (2 of 4 stars). 8 submissions from 8 submitters: Pathogenic (6); Likely pathogenic (1). 1 of the submissions does not count toward it. Last evaluated 2025-08-28.

Conditions:
Polyglandular autoimmune syndrome, type 1 (APS1). Also called: HYPOADRENOCORTICISM WITH HYPOPARATHYROIDISM AND SUPERFICIAL MONILIASIS; AUTOIMMUNE POLYENDOCRINE SYNDROME, TYPE I, WITH OR WITHOUT REVERSIBLE METAPHYSEAL DYSPLASIA; PGA I; APS I; Whitaker syndrome; Autoimmune polyendocrinopathy syndrome , type I, with or without reversible metaphyseal dysplasia. Identifiers: Orphanet 3453, MedGen C0085859, MONDO:0009411, OMIM 240300.

Allele frequency attached by ClinVar (database versions not stated): TOPMed 0.00002; gnomAD 0.00003 and 0.00002; ESP Exome Variant Server 0.00008; gnomAD exomes below 0.00001.

Submissions (8):

Labcorp Genetics (formerly Invitae), Labcorp
Classification: Pathogenic for Polyglandular autoimmune syndrome, type 1. Last evaluated: 2025-08-28. Review status: criteria provided, single submitter. Criteria: Invitae Variant Classification Sherloc (09022015). Collection method: clinical testing. Allele origin: germline.
Comment: This sequence change replaces arginine, which is basic and polar, with tryptophan, which is neutral and slightly polar, at codon 92 of the AIRE protein (p.Arg92Trp). This variant is not present in population databases (gnomAD no frequency). This missense change has been observed in individuals with autosomal recessive autoimmune polyendocrinopathy syndrome (PMID: 18426830, 24158785, 28446514). It has also been observed to segregate with disease in related individuals. ClinVar contains an entry for this variant (Variation ID: 379319). Invitae Evidence Modeling of protein sequence and biophysical properties (such as structural, functional, and spatial information, amino acid conservation, physicochemical variation, residue mobility, and thermodynamic stability) has been performed for this missense variant. However, the output from this modeling did not meet the statistical confidence thresholds required to predict the impact of this variant on AIRE protein function. For these reasons, this variant has been classified as Pathogenic.

Natera, Inc.
Classification: Pathogenic for Polyglandular autoimmune syndrome type 1. Last evaluated: 2025-01-06. Review status: criteria provided, single submitter. Criteria: Natera Variant Classification Schema (03/2026). Collection method: clinical testing. Allele origin: germline.
Comment: The c.274C>T variant in AIRE is a missense variant predicted to cause substitution of arginine to tryptophan at amino acid 92. This variant is rare in the general population with a frequency below the threshold expected for the associated phenotype(s). This variant has been observed in one or more individuals affected with the associated recessive disease, as either homozygous or compound heterozygous with a second variant (PMID: 32888943, 30287219, 18426830). Given the available evidence, this variant is classified as Pathogenic.

National Institute of Allergy and Infectious Diseases - Centralized Sequencing Program, National Institutes of Health
Classification: Pathogenic for APECED. Last evaluated: 2023-09-14. Review status: criteria provided, single submitter. Criteria: ACMG Guidelines, 2015. Collection method: clinical testing. Allele origin: germline. Affected: yes.

Fulgent Genetics
Classification: Pathogenic for Polyglandular autoimmune syndrome, type 1. Last evaluated: 2022-04-09. Review status: criteria provided, single submitter. Criteria: ACMG Guidelines, 2015. Collection method: clinical testing. Allele origin: unknown.

Women's Health and Genetics/Laboratory Corporation of America, LabCorp
Classification: Pathogenic for Polyglandular autoimmune syndrome, type 1. Last evaluated: 2019-02-20. Review status: criteria provided, single submitter. Criteria: LabCorp Variant Classification Summary - May 2015. Collection method: clinical testing. Allele origin: germline.
Comment: Variant summary: AIRE c.274C>T (p.Arg92Trp) results in a non-conservative amino acid change located in the HSR domain of the encoded protein sequence. Five of five in-silico tools predict a damaging effect of the variant on protein function. The variant was absent in 276962 control chromosomes (gnomAD and publication). c.274C>T has been reported in the literature in multiple affected individuals with features of Autoimmune Polyglandular Syndrome Type 1 (Zaidi_2017, Al-Mousa_2016, Magitta_2008). These data indicate that the variant is very likely to be associated with disease. To our knowledge, no experimental evidence demonstrating an impact on protein function has been reported. Two ClinVar submissions from clinical diagnostic laboratories (evaluation after 2014) cite the variant as pathogenic (1x) and once as likely pathogenic. This variant was previously classified conservatively as a VUS-possibly pathogenic variant by our laboratory in 2016. At-least two other reports reporting its presence in 4 additional affected individuals have been reported since its original classification by our laboratory. Based on all the evidence outlined above, the variant is now classified as pathogenic.

GeneDx
Classification: Pathogenic. Last evaluated: 2018-05-09. Review status: criteria provided, single submitter. Criteria: GeneDx Variant Classification (06012015). Collection method: clinical testing. Allele origin: germline. Affected: yes.
Comment: The R92W missense variant in the AIRE gene has been reported previously in two compoundheterozygous individals with APS1 (Magitta et al., 2008). R92W was not observed with any significantfrequency in the NHLBI Exome Sequencing Project. In addition, missense variants in nearby residues(L87P, Y90C, L93R, L97P) have been reported in the Human Gene Mutation Database in association with APECED (Stenson et al., 2014), supporting the functional importance of this region of the protein. We interpret this variant as pathogenic.

Neuberg Centre For Genomic Medicine, NCGM
Classification: Likely pathogenic for Polyglandular autoimmune syndrome, type 1. Review status: criteria provided, single submitter. Criteria: ACMG Guidelines, 2015. Collection method: clinical testing. Allele origin: germline. Inheritance: Autosomal recessive inheritance. Affected: yes.
Comment: The AIRE c.274C>T (p.Arg92Trp) variant has been reported in individuals affected with Autoimmune polyendocrine syndrome type I (Ng’weina F et al). The amino acid Arg at position 92 is changed to a Trp changing protein sequence and it might alter its composition and physico-chemical properties. This variant has been reported to the ClinVar database as pathogenic. The p.Arg92Trp variant is novel (not in any individuals) in gnomAD Exomes and 1000 Genomes. The variant is predicted to be damaging by both SIFT and PolyPhen2. The residue is conserved across species. The amino acid change p.Arg92Trp in AIRE is predicted as conserved by GERP++ and PhyloP across 100 vertebrates. For these reasons, this variant has been classified as Likely Pathogenic.

Counsyl
Classification: Likely pathogenic for Polyglandular autoimmune syndrome, type 1. Last evaluated: 2018-04-04. Review status: no assertion criteria provided. Collection method: clinical testing. Allele origin: unknown. Not counted in ClinVar's aggregate classification.

Literature cited by the submitters: PubMed 18426830 (cited by 5 submitters); PubMed 24158785 (cited by 3 submitters); PubMed 28446514 (cited by 3 submitters); PubMed 32888943 (cited by Natera, Inc.); PubMed 30287219 (cited by Natera, Inc.); PubMed 30697212 (cited by National Institute of Allergy and Infectious Diseases - Centralized Sequencing Program, National Institutes of Health); PubMed 32767280 (cited by National Institute of Allergy and Infectious Diseases - Centralized Sequencing Program, National Institutes of Health); PubMed 35482138 (cited by National Institute of Allergy and Infectious Diseases - Centralized Sequencing Program, National Institutes of Health); PubMed 18728167 (cited by Women's Health and Genetics/Laboratory Corporation of America, LabCorp); PubMed 23133448 (cited by Women's Health and Genetics/Laboratory Corporation of America, LabCorp); PubMed 26915675 (cited by Women's Health and Genetics/Laboratory Corporation of America, LabCorp and Counsyl); PubMed 27504588 (cited by Counsyl).